The following is an entry in ClinVar:

ClinVar aggregate classification (germline): Conflicting classifications of pathogenicity. Review status: criteria provided, conflicting classifications (1 of 4 stars). 2 submissions from 2 submitters: Uncertain significance (1); Likely benign (1). Last evaluated 2026-08-19.

Allele frequency attached by ClinVar (database versions not stated): gnomAD exomes 0.00008; TOPMed 0.00012; gnomAD 0.00018; ExAC 0.00037; 1000 Genomes Project 30x 0.00125; 1000 Genomes Project 0.00140.
gnomAD v4.1: 160 of 1,550,676 alleles (0.01%); highest among the groups gnomAD compares: South Asian, 0.093%; 2 homozygotes.

Submissions (2):

GeneDx
Classification: Uncertain significance. Last evaluated: 2026-08-19. Review status: criteria provided, single submitter. Criteria: GeneDx Variant Classification Process June 2021. Collection method: clinical testing. Allele origin: germline.
Comment: In silico analysis supports that this missense variant has a deleterious effect on protein structure/function; Has not been previously published as pathogenic or benign to our knowledge; In silico analysis is inconclusive as to whether the variant alters gene splicing. In the absence of RNA/functional studies, the actual effect of this sequence change is unknown

CeGaT Center for Human Genetics Tuebingen
Classification: Likely benign. Last evaluated: 2022-11-01. Review status: criteria provided, single submitter. Criteria: CeGaT Center For Human Genetics Tuebingen Variant Classification Criteria Version 2. Collection method: clinical testing. Allele origin: germline. Affected: yes. Observed: 1 variant allele.
Comment: PTPRQ: BP4, BS2

NM_001145026.2(PTPRQ):c.6476G>A (p.Arg2159Gln)

Gene: PTPRQ (protein tyrosine phosphatase receptor type Q; plus strand). Cytogenetic location: 12q21.31.
Variant type: single nucleotide variant.
Coding change: c.6476G>A on transcript NM_001145026.2 (MANE Select); coding-DNA position 6476, G replaced by A.
Protein change: p.Arg2159Gln; replaces arginine 2159 with glutamine.
Molecular consequence: missense variant.
Genome position (GRCh38, 1-based): chr12:80,670,366, G>A. VCF-style: chr12-80670366-G-A. GRCh37 (hg19) VCF-style: chr12-81064145-G-A.
Other names: c.6476G>A (NM_001145026.1); short protein forms R2159Q.
Identifiers: ClinVar variation 2643196 (VCV002643196.26), dbSNP rs367572836, ClinGen allele CA6702963.